The following is an entry in ClinVar:

NM_178857.6(RP1L1):c.325C>A (p.Pro109Thr)

Gene: RP1L1 (RP1 like 1). Cytogenetic location: 8p23.1.
Variant type: single nucleotide variant.
Coding change: c.325C>A on transcript NM_178857.6 (MANE Select); coding-DNA position 325, C replaced by A.
Protein change: p.Pro109Thr; replaces proline 109 with threonine.
Molecular consequence: missense variant.
Genome position (GRCh38, 1-based): chr8:10,622,877, G>T on the plus strand (C>A on the coding strand, the complement: RP1L1 is on the minus strand). VCF-style: chr8-10622877-G-T. GRCh37 (hg19) VCF-style: chr8-10480387-G-T.
Other names: c.325C>A (NM_178857.5); short protein forms P109T.
Identifiers: ClinVar variation 1462109 (VCV001462109.9), dbSNP rs753986463, ClinGen allele CA4625763.

ClinVar aggregate classification (germline): Uncertain significance. Review status: criteria provided, multiple submitters, no conflicts (2 of 4 stars). 2 submissions from 2 submitters: Uncertain significance (2). Last evaluated 2026-01-05.

Conditions:
Inborn genetic diseases. Identifiers: MedGen C0950123, MeSH D030342.

gnomAD v4.1: 9 of 1,613,352 alleles (0.00056%); highest among the groups gnomAD compares: Admixed American, 0.01%; no homozygotes.

Submissions (2):

Labcorp Genetics (formerly Invitae), Labcorp
Classification: Uncertain significance. Last evaluated: 2026-01-05. Review status: criteria provided, single submitter. Criteria: Invitae Variant Classification Sherloc (09022015). Collection method: clinical testing. Allele origin: germline.
Comment: This sequence change replaces proline, which is neutral and non-polar, with threonine, which is neutral and polar, at codon 109 of the RP1L1 protein (p.Pro109Thr). This variant is present in population databases (rs753986463, gnomAD 0.02%). This variant has not been reported in the literature in individuals affected with RP1L1-related conditions. ClinVar contains an entry for this variant (Variation ID: 1462109). Invitae Evidence Modeling of protein sequence and biophysical properties (such as structural, functional, and spatial information, amino acid conservation, physicochemical variation, residue mobility, and thermodynamic stability) indicates that this missense variant is not expected to disrupt RP1L1 protein function with a negative predictive value of 80%. In summary, the available evidence is currently insufficient to determine the role of this variant in disease. Therefore, it has been classified as a Variant of Uncertain Significance.

Ambry Genetics
Classification: Uncertain significance for Inborn genetic diseases. Last evaluated: 2021-09-01. Review status: criteria provided, single submitter. Criteria: Ambry Variant Classification Scheme 2023. Collection method: clinical testing. Allele origin: germline.